The following is an entry in ClinVar:

NM_001003694.2(BRPF1):c.1915A>G (p.Lys639Glu)

Gene: BRPF1 (bromodomain and PHD finger containing 1; plus strand). Cytogenetic location: 3p25.3.
Variant type: single nucleotide variant.
Coding change: c.1915A>G on transcript NM_001003694.2 (MANE Select); coding-DNA position 1915, A replaced by G.
Protein change: p.Lys639Glu; replaces lysine 639 with glutamic acid.
Molecular consequence: missense variant. On other transcripts: non-coding transcript variant (1).
Genome position (GRCh38, 1-based): chr3:9,742,085, A>G. VCF-style: chr3-9742085-A-G. GRCh37 (hg19) VCF-style: chr3-9783769-A-G.
Other names: c.1915A>G, p.Lys639Glu (NM_001319049.2, NM_001319050.2, NM_001410704.1 and 1 more transcripts); short protein forms K639E.
Identifiers: ClinVar variation 3342171 (VCV003342171.17).

ClinVar aggregate classification (germline): Uncertain significance. Review status: criteria provided, multiple submitters, no conflicts (2 of 4 stars). 2 submissions from 2 submitters: Uncertain significance (2). Last evaluated 2024-08-01.

Submissions (2):

CeGaT Center for Human Genetics Tuebingen
Classification: Uncertain significance. Last evaluated: 2024-08-01. Review status: criteria provided, single submitter. Criteria: CeGaT Center For Human Genetics Tuebingen Variant Classification Criteria Version 2. Collection method: clinical testing. Allele origin: germline. Affected: yes. Observed: 1 variant allele.
Comment: BRPF1: PM2

Blueprint Genetics
Classification: Uncertain significance. Last evaluated: 2019-01-19. Review status: criteria provided, single submitter. Criteria: ACMG Guidelines, 2015. Collection method: clinical testing. Allele origin: germline.